The following is an entry in ClinVar:

ClinVar aggregate classification (germline): Uncertain significance. Review status: criteria provided, multiple submitters, no conflicts (2 of 4 stars). 5 submissions from 5 submitters: Uncertain significance (4). 1 of the submissions does not count toward it. Last evaluated 2023-11-02.

Conditions:
Wilson disease (WND). Also called: Wilson's disease. Identifiers: Orphanet 905, MedGen C0019202, MONDO:0010200, OMIM 277900. Disease mechanism: loss of function.

Allele frequency attached by ClinVar (database versions not stated): gnomAD exomes below 0.00001; ExAC 0.00001; gnomAD 0.00001; TOPMed 0.00001.
gnomAD v4.1: 6 of 1,613,916 alleles (0.00037%); highest among the groups gnomAD compares: African/African-American, 0.0013%; no homozygotes.

Submissions (5):

All of Us Research Program, National Institutes of Health
Classification: Uncertain significance for Wilson disease. Last evaluated: 2023-11-02. Review status: criteria provided, single submitter. Criteria: ACMG Guidelines, 2015. Collection method: clinical testing. Allele origin: germline. Inheritance: Autosomal recessive inheritance. Observed: 4 variant alleles, 4 heterozygotes.
Comment: This missense variant replaces phenylalanine with isoleucine at codon 699 of the ATP7B protein. Computational prediction is inconclusive regarding the impact of this variant on protein structure and function (internally defined REVEL score threshold 0.5 < inconclusive < 0.7, PMID: 27666373). To our knowledge, functional studies have not been reported for this variant. This variant has not been reported in individuals affected with ATP7B-related disorders in the literature. This variant has not been identified in the general population by the Genome Aggregation Database (gnomAD). The available evidence is insufficient to determine the role of this variant in disease conclusively. Therefore, this variant is classified as a Variant of Uncertain Significance.

This study involves interpretation of variants in research participants for the purpose of population health screening. Participant phenotype was not available at the time of variant classification. Additional details can be found in publication PMID: 35346344, PMCID: PMC8962531

Color Diagnostics, LLC DBA Color Health
Classification: Uncertain significance for Wilson disease. Last evaluated: 2023-02-28. Review status: criteria provided, single submitter. Criteria: ACMG Guidelines, 2015. Collection method: clinical testing. Allele origin: germline.
Comment: This missense variant replaces phenylalanine with isoleucine at codon 699 of the ATP7B protein. Computational prediction is inconclusive regarding the impact of this variant on protein structure and function. To our knowledge, functional studies have not been reported for this variant. This variant has not been reported in individuals affected with ATP7B-related disorders in the literature. This variant has not been identified in the general population by the Genome Aggregation Database (gnomAD). The available evidence is insufficient to determine the role of this variant in disease conclusively. Therefore, this variant is classified as a Variant of Uncertain Significance.

Fulgent Genetics
Classification: Uncertain significance for Wilson disease. Last evaluated: 2022-02-09. Review status: criteria provided, single submitter. Criteria: ACMG Guidelines, 2015. Collection method: clinical testing. Allele origin: unknown.

GeneDx
Classification: Uncertain significance. Last evaluated: 2021-02-23. Review status: criteria provided, single submitter. Criteria: GeneDx Variant Classification Process June 2021. Collection method: clinical testing. Allele origin: germline. Affected: yes.
Comment: Not observed in large population cohorts (Lek et al., 2016); In silico analysis, which includes protein predictors and evolutionary conservation, supports that this variant does not alter protein structure/function; Has not been previously published as pathogenic or benign to our knowledge

Natera, Inc.
Classification: Uncertain significance for Wilson disease. Last evaluated: 2021-01-04. Review status: no assertion criteria provided. Collection method: clinical testing. Allele origin: germline. Not counted in ClinVar's aggregate classification.

NM_000053.4(ATP7B):c.2095T>A (p.Phe699Ile)

Gene: ATP7B (ATPase copper transporting beta; minus strand). Cytogenetic location: 13q14.3.
Variant type: single nucleotide variant.
Coding change: c.2095T>A on transcript NM_000053.4 (MANE Select); coding-DNA position 2095, T replaced by A.
Protein change: p.Phe699Ile; replaces phenylalanine 699 with isoleucine.
Molecular consequence: missense variant. On other transcripts: intron variant (2).
Genome position (GRCh38, 1-based): chr13:51,960,174, A>T on the plus strand (T>A on the coding strand, the complement: ATP7B is on the minus strand). VCF-style: chr13-51960174-A-T. GRCh37 (hg19) VCF-style: chr13-52534310-A-T.
Other names: c.1762T>A, p.Phe588Ile (NM_001243182.2); c.2095T>A, p.Phe699Ile (NM_001330578.2); c.1870-2567T>A (NM_001005918.3); c.1870-1630T>A (NM_001330579.2); short protein forms F588I, F699I.
Identifiers: ClinVar variation 1189880 (VCV001189880.6), dbSNP rs749972036, ClinGen allele CA6989120.